The following is an entry in ClinVar:

NM_000256.3(MYBPC3):c.1624+2T>G

Gene: MYBPC3 (myosin binding protein C3; minus strand). Cytogenetic location: 11p11.2.
Variant type: single nucleotide variant.
Coding change: c.1624+2T>G on transcript NM_000256.3 (MANE Select); the canonical splice donor site of the intron after coding-DNA position 1624, T replaced by G.
Molecular consequence: splice donor variant.
Genome position (GRCh38, 1-based): chr11:47,342,576, A>C on the plus strand (T>G on the coding strand, the complement: MYBPC3 is on the minus strand). VCF-style: chr11-47342576-A-C. GRCh37 (hg19) VCF-style: chr11-47364127-A-C.
Identifiers: ClinVar variation 4856614 (VCV004856614.1).

ClinVar aggregate classification (germline): Pathogenic (1 of 4 stars; one submission).

Conditions:
Hypertrophic cardiomyopathy 4. Also called: Familial hypertrophic cardiomyopathy 4. Identifiers: MedGen C1861862, MONDO:0007268, OMIM 115197.

Submission:

Molecular Genetics Laboratory, Motol Hospital
Classification: Pathogenic for Hypertrophic cardiomyopathy 4. Last evaluated: 2026-06-04. Review status: criteria provided, single submitter. Criteria: ACMG Guidelines, 2015. Collection method: clinical testing. Allele origin: germline. Affected: yes. Observed: 1 variant allele.
Comment: A rare variant not present in non-Finnish European population (PM2). The variant alters the canonical donor splice site in the intron 17 of the MYBPC3. Rare truncating and splice-site altering variants in the MYBPC3 gene are associated with autosomal dominant familial hypertrophic cardiomyopathy (PVS1). In silico prediction tools SpliceAI and dbscSNV Ada predict the deleterious effect on splicing. The variant is classified as pathogenic.

Literature cited by the submitters: PubMed 37445689; PubMed 30674652; PubMed 32396390; PubMed 27834932.